The following is an entry in ClinVar:

NM_000531.6(OTC):c.862A>G (p.Met288Val)

Gene: OTC (ornithine transcarbamylase; plus strand). Cytogenetic location: Xp11.4.
Variant type: single nucleotide variant.
Coding change: c.862A>G on transcript NM_000531.6 (MANE Select); coding-DNA position 862, A replaced by G.
Protein change: p.Met288Val; replaces methionine 288 with valine.
Molecular consequence: missense variant.
Genome position (GRCh38, 1-based): chrX:38,409,020, A>G. VCF-style: chrX-38409020-A-G. GRCh37 (hg19) VCF-style: chrX-38268273-A-G.
Other names: c.862A>G, p.Met288Val (NM_001407092.1); short protein forms M288V.
Identifiers: ClinVar variation 2190519 (VCV002190519.4), dbSNP rs1569280849, ClinGen allele CA412723895.

ClinVar aggregate classification (germline): Uncertain significance (1 of 4 stars; one submission).

Conditions:
Ornithine carbamoyltransferase deficiency (OTCD). Also called: ORNITHINE TRANSCARBAMYLASE DEFICIENCY; ORNITHINE TRANSCARBAMYLASE DEFICIENCY, HYPERAMMONEMIA DUE TO; Ornithine Carbamoyltransferase Deficiency Disease; OTC DEFICIENCY. Identifiers: Orphanet 664, MedGen C0268542, MONDO:0010703, OMIM 311250.

Allele frequency attached by ClinVar (database versions not stated): gnomAD exomes below 0.00001; TOPMed below 0.00001.
gnomAD v4.1: 2 of 1,211,235 alleles (0.00017%); highest among the groups gnomAD compares: Non-Finnish European, 0.00022%; no homozygotes.

Submission:

Labcorp Genetics (formerly Invitae), Labcorp
Classification: Uncertain significance for Ornithine carbamoyltransferase deficiency. Last evaluated: 2025-09-15. Review status: criteria provided, single submitter. Criteria: Invitae Variant Classification Sherloc (09022015). Collection method: clinical testing. Allele origin: germline.
Comment: This sequence change replaces methionine, which is neutral and non-polar, with valine, which is neutral and non-polar, at codon 288 of the OTC protein (p.Met288Val). This variant is not present in population databases (gnomAD no frequency). This variant has not been reported in the literature in individuals affected with OTC-related conditions. ClinVar contains an entry for this variant (Variation ID: 2190519). Invitae Evidence Modeling of protein sequence and biophysical properties (such as structural, functional, and spatial information, amino acid conservation, physicochemical variation, residue mobility, and thermodynamic stability) indicates that this missense variant is expected to disrupt OTC protein function with a positive predictive value of 95%. In summary, the available evidence is currently insufficient to determine the role of this variant in disease. Therefore, it has been classified as a Variant of Uncertain Significance.